The following is an entry in ClinVar:

ClinVar aggregate classification (germline): Uncertain significance (1 of 4 stars; one submission).

Submission:

Labcorp Genetics (formerly Invitae), Labcorp
Classification: Uncertain significance. Last evaluated: 2024-10-12. Review status: criteria provided, single submitter. Criteria: Invitae Variant Classification Sherloc (09022015). Collection method: clinical testing. Allele origin: germline.
Comment: This sequence change replaces glycine, which is neutral and non-polar, with arginine, which is basic and polar, at codon 63 of the UQCRQ protein (p.Gly63Arg). This variant is present in population databases (rs761467699, gnomAD 0.02%). This variant has not been reported in the literature in individuals affected with UQCRQ-related conditions. An algorithm developed to predict the effect of missense changes on protein structure and function (PolyPhen-2) suggests that this variant is likely to be disruptive. In summary, the available evidence is currently insufficient to determine the role of this variant in disease. Therefore, it has been classified as a Variant of Uncertain Significance.

NM_014402.5(UQCRQ):c.187G>A (p.Gly63Arg)

Gene: UQCRQ (ubiquinol-cytochrome c reductase complex III subunit VII; plus strand). Cytogenetic location: 5q31.1.
Variant type: single nucleotide variant.
Coding change: c.187G>A on transcript NM_014402.5 (MANE Select); coding-DNA position 187, G replaced by A.
Protein change: p.Gly63Arg; replaces glycine 63 with arginine.
Molecular consequence: missense variant.
Genome position (GRCh38, 1-based): chr5:132,867,520, G>A. VCF-style: chr5-132867520-G-A. GRCh37 (hg19) VCF-style: chr5-132203212-G-A.
Other names: short protein forms G63R.
Identifiers: ClinVar variation 3608226 (VCV003608226.2).